The following is an entry in ClinVar:

ClinVar aggregate classification (germline): Pathogenic (1 of 4 stars; one submission).

Conditions:
Diamond-Blackfan anemia. Also called: Blackfan Diamond syndrome; Aregenerative anemia chronic congenital; Red cell aplasia, pure hereditary; Congenital hypoplastic anemia; Aase syndrome. Identifiers: Orphanet 124, MedGen C1260899, MeSH D029503, MONDO:0015253, HP:0004810.

Submission:

Labcorp Genetics (formerly Invitae), Labcorp
Classification: Pathogenic for Diamond-Blackfan anemia. Last evaluated: 2023-04-18. Review status: criteria provided, single submitter. Criteria: Invitae Variant Classification Sherloc (09022015). Collection method: clinical testing. Allele origin: germline.
Comment: For these reasons, this variant has been classified as Pathogenic. This premature translational stop signal has been observed in individual(s) with Diamond-Blackfan anemia (PMID: 20960466). This variant is not present in population databases (gnomAD no frequency). This sequence change creates a premature translational stop signal (p.Thr34Asnfs*21) in the RPL11 gene. It is expected to result in an absent or disrupted protein product. Loss-of-function variants in RPL11 are known to be pathogenic (PMID: 19061985, 19773262).

Literature cited by the submitters: PubMed 20960466; PubMed 19061985; PubMed 19773262.

NM_000975.5(RPL11):c.100dup (p.Thr34fs)

Gene: RPL11 (ribosomal protein L11; plus strand). Cytogenetic location: 1p36.11.
Variant type: Duplication.
Coding change: c.100dup on transcript NM_000975.5 (MANE Select); coding-DNA position 100, one base duplicated (A; older notation c.100dupA).
Protein change: p.Thr34fs; shifts the reading frame from threonine 34.
Molecular consequence: frameshift variant.
Genome position (GRCh38, 1-based): chr1:23,692,702, A duplicated. VCF-style (leftmost placement, unchanged base first): chr1-23692701-G-GA. GRCh37 (hg19) VCF-style: chr1-24019191-G-GA.
Other names: c.97dup, p.Thr33fs (NM_001199802.1); short protein forms T34fs, T33fs.
Identifiers: ClinVar variation 2733860 (VCV002733860.3), dbSNP rs2523395112, ClinGen allele CA2586966164.